The following is an entry in ClinVar:

ClinVar aggregate classification (germline): Benign. Review status: criteria provided, multiple submitters, no conflicts (2 of 4 stars). 2 submissions from 2 submitters: Benign (2). Last evaluated 2018-07-09.

Conditions:
Sideroblastic anemia 2. Also called: Anemia, sideroblastic, 2, pyridoxine-refractory. Identifiers: Orphanet 260305, MedGen C4225425, MONDO:0008785, OMIM 205950.

Allele frequency attached by ClinVar (database versions not stated): TOPMed 0.02273; 1000 Genomes Project 0.02456; 1000 Genomes Project 30x 0.02889.
gnomAD v4.1: 4,568 of 699,454 alleles (0.65%); highest among the groups gnomAD compares: African/African-American, 7.1%; 163 homozygotes.

Submissions (2):

GeneDx
Classification: Benign. Last evaluated: 2018-07-09. Review status: criteria provided, single submitter. Criteria: GeneDx Variant Classification Process June 2021. Collection method: clinical testing. Allele origin: germline. Affected: yes.

Illumina Laboratory Services, Illumina
Classification: Benign for Sideroblastic anemia 2. Last evaluated: 2018-01-13. Review status: criteria provided, single submitter. Criteria: ICSL Variant Classification Criteria 13 December 2019. Collection method: clinical testing. Allele origin: germline.
Comment: This variant was observed in the ICSL laboratory as part of a predisposition screen in an ostensibly healthy population. It had not been previously curated by ICSL or reported in the Human Gene Mutation Database (HGMD: prior to June 1st, 2018), and was therefore a candidate for classification through an automated scoring system. Utilizing variant allele frequency, disease prevalence and penetrance estimates, and inheritance mode, an automated score was calculated to assess if this variant is too frequent to cause the disease. Based on the score and internal cut-off values, a variant classified as benign is not then subjected to further curation. The score for this variant resulted in a classification of benign for this disease.

NM_017875.4(SLC25A38):c.*212T>G

Gene: SLC25A38 (solute carrier family 25 member 38; plus strand). Cytogenetic location: 3p22.1.
Variant type: single nucleotide variant.
Coding change: c.*212T>G on transcript NM_017875.4 (MANE Select); 212 bases downstream of the stop codon, T replaced by G.
Molecular consequence: 3 prime UTR variant.
Genome position (GRCh38, 1-based): chr3:39,396,732, T>G. VCF-style: chr3-39396732-T-G. GRCh37 (hg19) VCF-style: chr3-39438223-T-G.
Other names: c.*246T>G (NM_001354798.2).
Identifiers: ClinVar variation 901144 (VCV000901144.5), dbSNP rs72867427, ClinGen allele CA73041101.